The following is an entry in ClinVar:

ClinVar aggregate classification (germline): Uncertain significance (1 of 4 stars; one submission).

Conditions:
Gorlin syndrome. Also called: Basal cell nevus syndrome; Nevoid Basal Cell Carcinoma Syndrome. Identifiers: Orphanet 377, MedGen C0004779, MONDO:0007187.

Submission:

Labcorp Genetics (formerly Invitae), Labcorp
Classification: Uncertain significance for Gorlin syndrome. Last evaluated: 2025-04-27. Review status: criteria provided, single submitter. Criteria: Invitae Variant Classification Sherloc (09022015). Collection method: clinical testing. Allele origin: germline.
Comment: This sequence change falls in intron 8 of the PTCH1 gene. It does not directly change the encoded amino acid sequence of the PTCH1 protein. It affects a nucleotide within the consensus splice site. This variant is not present in population databases (gnomAD no frequency). This variant has not been reported in the literature in individuals affected with PTCH1-related conditions. Variants that disrupt the consensus splice site are a relatively common cause of aberrant splicing (PMID: 17576681, 9536098). Algorithms developed to predict the effect of sequence changes on RNA splicing suggest that this variant is not likely to affect RNA splicing. In summary, the available evidence is currently insufficient to determine the role of this variant in disease. Therefore, it has been classified as a Variant of Uncertain Significance.

Literature cited by the submitters: PubMed 17576681; PubMed 9536098.

NM_000264.5(PTCH1):c.1216-3C>T

Gene: PTCH1 (patched 1; minus strand). Cytogenetic location: 9q22.32.
Variant type: single nucleotide variant.
Coding change: c.1216-3C>T on transcript NM_000264.5 (MANE Select); 3 bases into the intron before coding-DNA position 1216, C replaced by T.
Molecular consequence: intron variant.
Genome position (GRCh38, 1-based): chr9:95,478,189, G>A on the plus strand (C>T on the coding strand, the complement: PTCH1 is on the minus strand). VCF-style: chr9-95478189-G-A. GRCh37 (hg19) VCF-style: chr9-98240471-G-A.
Other names: c.1213-3C>T (NM_001083603.3); c.1018-3C>T (NM_001083602.3); c.1216-3C>T (NM_001354918.2); c.763-3C>T (NM_001083605.3, NM_001083604.3, NM_001083606.3 and 1 more transcripts).
Identifiers: ClinVar variation 4718369 (VCV004718369.1).